The following is an entry in ClinVar:

ClinVar aggregate classification (germline): Conflicting classifications of pathogenicity. Review status: criteria provided, conflicting classifications (1 of 4 stars). 6 submissions from 6 submitters: Uncertain significance (3); Benign (1); Likely benign (1). 1 of the submissions does not count toward it. Last evaluated 2026-01-26.

Conditions:
Immunodeficiency 23 (IMD23). Also called: IMMUNODEFICIENCY WITH HYPER IgE AND COGNITIVE IMPAIRMENT; IMMUNODEFICIENCY-VASCULITIS-MYOCLONUS SYNDROME. Identifiers: Orphanet 443811, MedGen C4014371, MONDO:0014353, OMIM 615816.

Allele frequency attached by ClinVar (database versions not stated): gnomAD exomes 0.00065 and 0.00037; TOPMed 0.00074; 1000 Genomes Project 30x 0.00016; 1000 Genomes Project 0.00020; ExAC 0.00025; ESP Exome Variant Server 0.00031; gnomAD 0.00043 and 0.00060.
gnomAD v4.1: 1,014 of 1,599,130 alleles (0.063%); highest among the groups gnomAD compares: Non-Finnish European, 0.08%; 2 homozygotes.

Submissions (6):

Labcorp Genetics (formerly Invitae), Labcorp
Classification: Uncertain significance for Immunodeficiency 23. Last evaluated: 2026-01-26. Review status: criteria provided, single submitter. Criteria: Invitae Variant Classification Sherloc (09022015). Collection method: clinical testing. Allele origin: germline.
Comment: This sequence change falls in intron 4 of the PGM3 gene. It does not directly change the encoded amino acid sequence of the PGM3 protein. It affects a nucleotide within the consensus splice site. This variant is present in population databases (rs201392846, gnomAD 0.07%). This variant has not been reported in the literature in individuals affected with PGM3-related conditions. ClinVar contains an entry for this variant (Variation ID: 475002). Variants that disrupt the consensus splice site are a relatively common cause of aberrant splicing (PMID: 17576681, 9536098). Algorithms developed to predict the effect of sequence changes on RNA splicing suggest that this variant is not likely to affect RNA splicing. In summary, the available evidence is currently insufficient to determine the role of this variant in disease. Therefore, it has been classified as a Variant of Uncertain Significance.

CeGaT Center for Human Genetics Tuebingen
Classification: Likely benign. Last evaluated: 2025-09-01. Review status: criteria provided, single submitter. Criteria: CeGaT Center For Human Genetics Tuebingen Variant Classification Criteria Version 2. Collection method: clinical testing. Allele origin: germline. Affected: yes. Observed: 1 variant allele.
Comment: PGM3: BP4

Blueprint Genetics
Classification: Uncertain significance. Last evaluated: 2024-11-26. Review status: criteria provided, single submitter. Criteria: ACMG Guidelines, 2015. Collection method: clinical testing. Allele origin: germline.

Women's Health and Genetics/Laboratory Corporation of America, LabCorp
Classification: Benign. Last evaluated: 2024-09-03. Review status: criteria provided, single submitter. Criteria: LabCorp Variant Classification Summary - May 2015. Collection method: clinical testing. Allele origin: germline.

Revvity Omics, Revvity
Classification: Uncertain significance for Immunodeficiency 23. Last evaluated: 2021-09-07. Review status: criteria provided, single submitter. Criteria: ACMG Guidelines, 2015. Collection method: clinical testing. Allele origin: germline.

Clinical Genetics DNA and cytogenetics Diagnostics Lab, Erasmus MC, Erasmus Medical Center
Classification: Likely benign. Review status: no assertion criteria provided. Collection method: clinical testing. Allele origin: germline. Affected: yes. Study: VKGL Data-share Consensus. Not counted in ClinVar's aggregate classification.

Literature cited by the submitters: PubMed 17576681 (cited by Labcorp Genetics (formerly Invitae), Labcorp); PubMed 9536098 (cited by Labcorp Genetics (formerly Invitae), Labcorp).

NM_015599.3(PGM3):c.389+3G>A

Gene: PGM3 (phosphoglucomutase 3; minus strand). Cytogenetic location: 6q14.1.
Variant type: single nucleotide variant.
Coding change: c.389+3G>A on transcript NM_015599.3 (MANE Select); 3 bases into the intron after coding-DNA position 389, G replaced by A.
Molecular consequence: intron variant.
Genome position (GRCh38, 1-based): chr6:83,188,611, C>T on the plus strand (G>A on the coding strand, the complement: PGM3 is on the minus strand). VCF-style: chr6-83188611-C-T. GRCh37 (hg19) VCF-style: chr6-83898330-C-T.
Other names: c.389+3G>A (LRG_1312t1, NM_001367286.1, NM_001199919.2); c.473+3G>A (NM_001199917.2, NM_001367287.1); c.146+3G>A (NM_001199918.2).
Identifiers: ClinVar variation 475002 (VCV000475002.20), dbSNP rs201392846, ClinGen allele CA3906831.